The following is an entry in ClinVar:

NM_000384.3(APOB):c.10066C>G (p.Leu3356Val)

Gene: APOB (apolipoprotein B; minus strand). Cytogenetic location: 2p24.1.
Variant type: single nucleotide variant.
Coding change: c.10066C>G on transcript NM_000384.3 (MANE Select); coding-DNA position 10066, C replaced by G.
Protein change: p.Leu3356Val; replaces leucine 3356 with valine.
Molecular consequence: missense variant.
Genome position (GRCh38, 1-based): chr2:21,006,802, G>C on the plus strand (C>G on the coding strand, the complement: APOB is on the minus strand). VCF-style: chr2-21006802-G-C. GRCh37 (hg19) VCF-style: chr2-21229674-G-C.
Other names: short protein forms L3356V.
Identifiers: ClinVar variation 4124909 (VCV004124909.2), dbSNP rs754814123.
Genomic context (GRCh38, chr2:21,006,802, plus strand): 5'-CATCAATGACAGATGAAGATGAAGAAAGGAGATGAGCAACAATATCTGACTGGTTAAAAA[G>C]TTCAGCATTGGTATTCAGTGTGATGACACTTGATTTAAAGGAGAAATCATAGGTAATATT-3'
Protein context (NP_000375.3, residues 3346-3366): SVITLNTNAE[Leu3356Val]FNQSDIVAHL

ClinVar aggregate classification (germline): Conflicting classifications of pathogenicity. Review status: criteria provided, conflicting classifications (1 of 4 stars). 2 submissions from 2 submitters: Uncertain significance (1); Likely benign (1). Last evaluated 2025-10-15.

Conditions:
Familial hypobetalipoproteinemia 1. Also called: APOB-Related Familial Hypobetalipoproteinemia; Hypobetalipoproteinemia, normotriglyceridemic; Acanthocytosis with hypobetalipoproteinemia. Identifiers: MedGen C4551990, MONDO:0014252, OMIM 615558.
Hypercholesterolemia, autosomal dominant, type B (FHCL2). Also called: Familial Hypercholesterolemia Type B; APOLIPOPROTEIN B-100, FAMILIAL DEFECTIVE; APOLIPOPROTEIN B-100, FAMILIAL LIGAND-DEFECTIVE; HYPERCHOLESTEROLEMIA, FAMILIAL, DUE TO LIGAND-DEFECTIVE APOLIPOPROTEIN B; APOB-Related Familial Hypercholesterolemia, Autosomal Dominant; Hyperlipoproteinemia Type IIb. Identifiers: MedGen C1704417, MONDO:0007751, OMIM 144010.
Cardiovascular phenotype. Identifiers: MedGen CN230736.

Allele frequency attached by ClinVar (database versions not stated): gnomAD 0.00001; TOPMed 0.00001.
gnomAD v4.1: 2 of 1,613,948 alleles (0.00012%); highest among the groups gnomAD compares: Non-Finnish European, 0.00017%; no homozygotes.

Submissions (2):

Labcorp Genetics (formerly Invitae), Labcorp
Classification: Uncertain significance for Familial hypobetalipoproteinemia 1; Hypercholesterolemia, autosomal dominant, type B. Last evaluated: 2025-10-15. Review status: criteria provided, single submitter. Criteria: Invitae Variant Classification Sherloc (09022015). Collection method: clinical testing. Allele origin: germline.
Comment: This sequence change replaces leucine, which is neutral and non-polar, with valine, which is neutral and non-polar, at codon 3356 of the APOB protein (p.Leu3356Val). This variant is not present in population databases (gnomAD no frequency). This variant has not been reported in the literature in individuals affected with APOB-related conditions. Invitae Evidence Modeling of protein sequence and biophysical properties (such as structural, functional, and spatial information, amino acid conservation, physicochemical variation, residue mobility, and thermodynamic stability) indicates that this missense variant is not expected to disrupt APOB protein function with a negative predictive value of 95%. In summary, the available evidence is currently insufficient to determine the role of this variant in disease. Therefore, it has been classified as a Variant of Uncertain Significance.

Ambry Genetics
Classification: Likely benign for Cardiovascular phenotype. Last evaluated: 2025-06-23. Review status: criteria provided, single submitter. Criteria: Ambry Variant Classification Scheme 2023. Collection method: clinical testing. Allele origin: germline.